The following is an entry in ClinVar:

ClinVar aggregate classification (germline): Likely benign (1 of 4 stars; one submission).

gnomAD v4.1: 41 of 1,613,980 alleles (0.0025%); highest among the groups gnomAD compares: Admixed American, 0.0033%; no homozygotes.

Submission:

CeGaT Center for Human Genetics Tuebingen
Classification: Likely benign. Last evaluated: 2026-09-01. Review status: criteria provided, single submitter. Criteria: CeGaT Center For Human Genetics Tuebingen Variant Classification Criteria Version 2. Collection method: clinical testing. Allele origin: germline. Affected: yes. Observed: 1 variant allele.
Comment: PUM1: BP4

NM_001020658.2(PUM1):c.1888C>T (p.Pro630Ser)

Gene: PUM1 (pumilio RNA binding family member 1; minus strand). Cytogenetic location: 1p35.2.
Variant type: single nucleotide variant.
Coding change: c.1888C>T on transcript NM_001020658.2 (MANE Select); coding-DNA position 1888, C replaced by T.
Protein change: p.Pro630Ser; replaces proline 630 with serine.
Molecular consequence: missense variant.
Genome position (GRCh38, 1-based): chr1:30,966,180, G>A on the plus strand (C>T on the coding strand, the complement: PUM1 is on the minus strand). VCF-style: chr1-30966180-G-A. GRCh37 (hg19) VCF-style: chr1-31439027-G-A.
Other names: c.1888C>T, p.Pro630Ser (NM_014676.3); short protein forms P630S.
Identifiers: ClinVar variation 5041154 (VCV005041154.1).
Genomic context (GRCh38, chr1:30,966,180, plus strand): 5'-AGTTGTTGCCGTAGAAAGAACTGGATGCCAGGTTGTTATTGGGCTGCTGCTGGGGCTGGG[G>A]CTGAGGCTGCTGTGTTCCTAAAGGGCGAAATGGTCCATTTGTTGTTCCAGCAAGACCACC-3'
Protein context (NP_001018494.1, residues 620-640): FRPLGTQQPQ[Pro630Ser]QPQQQPNNNL